The following is an entry in ClinVar:

NM_002109.6(HARS1):c.1105A>G (p.Met369Val)

Gene: HARS1 (histidyl-tRNA synthetase 1; minus strand). Cytogenetic location: 5q31.3.
Variant type: single nucleotide variant.
Coding change: c.1105A>G on transcript NM_002109.6 (MANE Select); coding-DNA position 1105, A replaced by G.
Protein change: p.Met369Val; replaces methionine 369 with valine.
Molecular consequence: missense variant.
Genome position (GRCh38, 1-based): chr5:140,676,743, T>C on the plus strand (A>G on the coding strand, the complement: HARS1 is on the minus strand). VCF-style: chr5-140676743-T-C. GRCh37 (hg19) VCF-style: chr5-140056328-T-C.
Other names: c.1105A>G (NM_002109.3); c.985A>G, p.Met329Val (NM_001258040.3); c.1045A>G, p.Met349Val (NM_001258041.3); c.925A>G, p.Met309Val (NM_001258042.3); c.883A>G, p.Met295Val (NM_001289092.2); c.763A>G, p.Met255Val (NM_001289093.2); c.1018A>G, p.Met340Val (NM_001289094.2); short protein forms M255V, M295V, M309V, M329V, M340V, M349V, M369V.
Identifiers: ClinVar variation 1680306 (VCV001680306.7), dbSNP rs749991162, ClinGen allele CA3443925.

ClinVar aggregate classification (germline): Conflicting classifications of pathogenicity. Review status: criteria provided, conflicting classifications (1 of 4 stars). 2 submissions from 2 submitters: Uncertain significance (1); Likely benign (1). Last evaluated 2025-03-26.

Conditions:
Usher syndrome type 3B. Also called: USHER SYNDROME, TYPE IIIB. Identifiers: MedGen C3281066, MONDO:0013788, OMIM 614504.

Allele frequency attached by ClinVar (database versions not stated): gnomAD exomes 0.00001 and 0.00003; TOPMed 0.00001; ExAC 0.00002.
gnomAD v4.1: 12 of 1,614,208 alleles (0.00074%); highest among the groups gnomAD compares: Admixed American, 0.0083%; no homozygotes.

Submissions (2):

Labcorp Genetics (formerly Invitae), Labcorp
Classification: Uncertain significance for Usher syndrome type 3B. Last evaluated: 2025-03-26. Review status: criteria provided, single submitter. Criteria: Invitae Variant Classification Sherloc (09022015). Collection method: clinical testing. Allele origin: germline.
Comment: This sequence change replaces methionine, which is neutral and non-polar, with valine, which is neutral and non-polar, at codon 369 of the HARS protein (p.Met369Val). This variant is present in population databases (rs749991162, gnomAD 0.01%). This variant has not been reported in the literature in individuals affected with HARS-related conditions. ClinVar contains an entry for this variant (Variation ID: 1680306). Invitae Evidence Modeling of protein sequence and biophysical properties (such as structural, functional, and spatial information, amino acid conservation, physicochemical variation, residue mobility, and thermodynamic stability) indicates that this missense variant is not expected to disrupt HARS protein function with a negative predictive value of 80%. In summary, the available evidence is currently insufficient to determine the role of this variant in disease. Therefore, it has been classified as a Variant of Uncertain Significance.

Ambry Genetics
Classification: Likely benign. Last evaluated: 2022-10-31. Review status: criteria provided, single submitter. Criteria: Ambry Variant Classification Scheme 2023. Collection method: clinical testing. Allele origin: germline.